The following is an entry in ClinVar:

ClinVar aggregate classification (germline): Likely benign. Review status: criteria provided, single submitter (1 of 4 stars). 2 submissions from 2 submitters: Likely benign (1). 1 of the submissions does not count toward it. Last evaluated 2025-07-27.

Conditions:
FBN3-related disorder. Also called: FBN3-related condition.

Allele frequency attached by ClinVar (database versions not stated): gnomAD exomes 0.00006 and 0.00018; ExAC 0.00021; gnomAD 0.00061; TOPMed 0.00077; 1000 Genomes Project 0.00080; ESP Exome Variant Server 0.00092; 1000 Genomes Project 30x 0.00094.
gnomAD v4.1: 183 of 1,612,392 alleles (0.011%); highest among the groups gnomAD compares: African/African-American, 0.21%; no homozygotes.

Submissions (2):

Labcorp Genetics (formerly Invitae), Labcorp
Classification: Likely benign. Last evaluated: 2025-07-27. Review status: criteria provided, single submitter. Criteria: Invitae Variant Classification Sherloc (09022015). Collection method: clinical testing. Allele origin: germline.

PreventionGenetics, part of Exact Sciences
Classification: Likely benign for FBN3-related condition. Last evaluated: 2023-04-04. Review status: no assertion criteria provided. Collection method: clinical testing. Allele origin: germline. Not counted in ClinVar's aggregate classification.
Comment: This variant is classified as likely benign based on ACMG/AMP sequence variant interpretation guidelines (Richards et al. 2015 PMID: 25741868, with internal and published modifications).

NM_032447.5(FBN3):c.2732A>T (p.Asp911Val)

Gene: FBN3 (fibrillin 3; minus strand). Cytogenetic location: 19p13.2.
Variant type: single nucleotide variant.
Coding change: c.2732A>T on transcript NM_032447.5 (MANE Select); coding-DNA position 2732, A replaced by T.
Protein change: p.Asp911Val; replaces aspartic acid 911 with valine.
Molecular consequence: missense variant.
Genome position (GRCh38, 1-based): chr19:8,124,008, T>A on the plus strand (A>T on the coding strand, the complement: FBN3 is on the minus strand). VCF-style: chr19-8124008-T-A. GRCh37 (hg19) VCF-style: chr19-8188892-T-A.
Other names: c.2732A>T, p.Asp911Val (NM_001321431.2); c.2732A>T (NM_001321431.1); short protein forms D911V.
Identifiers: ClinVar variation 1551200 (VCV001551200.10), dbSNP rs139446204, ClinGen allele CA9152722.
Genomic context (GRCh38, chr19:8,124,008, plus strand): 5'-GGCAGGGTGACCCCACACTCATCCTCATCCCATCGCAGGAAACATGGTTCCAATCTCACA[T>A]CTGCACGGGGGACAGTCACTGCGTCCCCACCCCTGCCACACTGTGCCCACTGCGGGACAG-3'
Protein context (NP_115823.3, residues 901-921): MLDASGRLCV[Asp911Val]VRLEPCFLRW